The following is an entry in ClinVar:

NM_001148.6(ANK2):c.9811G>A (p.Asp3271Asn)

Gene: ANK2 (ankyrin 2; plus strand). Cytogenetic location: 4q26.
Variant type: single nucleotide variant.
Coding change: c.9811G>A on transcript NM_001148.6 (MANE Select); coding-DNA position 9811, G replaced by A.
Protein change: p.Asp3271Asn; replaces aspartic acid 3271 with asparagine.
Molecular consequence: missense variant. On other transcripts: intron variant (68).
Genome position (GRCh38, 1-based): chr4:113,358,429, G>A. VCF-style: chr4-113358429-G-A. GRCh37 (hg19) VCF-style: chr4-114279585-G-A.
Other names: c.9577G>A, p.Asp3193Asn (NM_001386142.1); c.6211G>A, p.Asp2071Asn (NM_001386166.1); c.9952G>A, p.Asp3318Asn (NM_001386174.1); c.9928G>A, p.Asp3310Asn (NM_001386175.1); c.4412-2394G>A (NM_001386186.2, NM_001386148.2); c.4214-2394G>A (NM_001354269.3); c.4292-2394G>A (NM_001386187.2); c.4253-2394G>A (NM_001386147.1); and 35 more; short protein forms D3318N, D3193N, D3310N, D2071N, D3271N.
Identifiers: ClinVar variation 3864322 (VCV003864322.1).

ClinVar aggregate classification (germline): Uncertain significance (1 of 4 stars; one submission).

Conditions:
Cardiovascular phenotype. Identifiers: MedGen CN230736.

Submission:

Ambry Genetics
Classification: Uncertain significance for Cardiovascular phenotype. Last evaluated: 2025-03-03. Review status: criteria provided, single submitter. Criteria: Ambry Variant Classification Scheme 2023. Collection method: clinical testing. Allele origin: germline.
Comment: The p.D3271N variant (also known as c.9811G>A), located in coding exon 38 of the ANK2 gene, results from a G to A substitution at nucleotide position 9811. The aspartic acid at codon 3271 is replaced by asparagine, an amino acid with highly similar properties. This amino acid position is conserved. In addition, this alteration is predicted to be tolerated by in silico analysis. Based on the available evidence, the clinical significance of this variant remains unclear.